The following is an entry in ClinVar:

ClinVar aggregate classification (germline): Likely benign. Review status: reviewed by expert panel (3 of 4 stars). 2 submissions from 2 submitters: Likely benign (1). 1 of the submissions does not count toward it. Last evaluated 2025-01-08.

Conditions:
Autosomal recessive limb-girdle muscular dystrophy. Identifiers: Orphanet 102015, MedGen C2931907, MONDO:0015152.

Submissions (2):

ClinGen Limb Girdle Muscular Dystrophy Variant Curation Expert Panel, ClinGen
Classification: Likely benign for Autosomal recessive limb-girdle muscular dystrophy. Last evaluated: 2025-01-08. Review status: reviewed by expert panel. Criteria: ClinGen LGMD VCEP ACMG Specifications SGCD V1.0.0. Collection method: curation. Allele origin: germline. Inheritance: Autosomal recessive inheritance.
Comment: The NM_000337.6: c.-44+11_-44+13del variant is located in the 5’UTR of SGCD. Because the variant is located in the 5’UTR, it is not expected to alter the amino acid sequence. This variant is absent from gnomAD v2.1.1 and v3.1.2 (PM2_Supporting). This variant is not located in a splice region, and the computational splicing predictor SpliceAI gives a score of 0.05 for donor loss and 0.00 for acceptor loss, suggesting that the variant has no impact on splicing (BP4, BP7). In summary, this variant meets the criteria to be classified as Likely Benign for autosomal recessive limb girdle muscular dystrophy. Although there are both pathogenic and benign types of evidence for this variant, the pathogenic evidence is not considered inconsistent with the final classification. ACMG/AMP criteria applied, as specified by the ClinGen LGMD VCEP (LGMD VCEP specifications version 1.0.0; 01/08/2025): PM2_Supporting, BP4, BP7.

GeneDx
Classification: Likely benign. Last evaluated: 2017-08-10. Review status: criteria provided, single submitter. Criteria: GeneDx Variant Classification (06012015). Collection method: clinical testing. Allele origin: germline. Affected: yes. Not counted in ClinVar's aggregate classification.
Comment: This variant is considered likely benign or benign based on one or more of the following criteria: it is a conservative change, it occurs at a poorly conserved position in the protein, it is predicted to be benign by multiple in silico algorithms, and/or has population frequency not consistent with disease.

NM_000337.6(SGCD):c.-44+11_-44+13del

Gene: SGCD (sarcoglycan delta; plus strand). Cytogenetic location: 5q33.3.
Variant type: Deletion.
Coding change: c.-44+11_-44+13del on transcript NM_000337.6 (MANE Select); bases 11 to 13 of the intron after 44 bases upstream of the start codon, 3 bases deleted (GTT; older notation c.-44+11_-44+13delGTT).
Molecular consequence: intron variant.
Genome position (GRCh38, 1-based): chr5:156,327,243-156,327,245, GTT deleted; deleting any 3 consecutive bases within chr5:156,327,242-156,327,245 gives the same sequence; the c. name uses the placement nearest the transcript's 3' end. VCF-style (leftmost placement, unchanged base first): chr5-156327241-CTGT-C. GRCh37 (hg19) VCF-style: chr5-155754251-CTGT-C.
Other names: c.-1+11_-1+13del (NM_001128209.2); c.-44+11_-44+13del (NM_172244.3); c.-44+11_-44+13delGTT (NM_000337.5).
Identifiers: ClinVar variation 511093 (VCV000511093.2), dbSNP rs1554093300, ClinGen allele CA658796665.
Genomic context (GRCh38, chr5:156,327,241, plus strand): 5'-CCTGGGATCGCGGGCGGTTTTCATCGGCCGGTTTGTGAAACGGACAAGAGAGGTAGGGTA[CTGT>C]TCAGTTCTTGCGTTTGCACGCGTCTGTTCACTTTCTAAGCTATCTGCCTGCTGTATTTGC-3'